The following is an entry in ClinVar:

ClinVar aggregate classification (germline): Conflicting classifications of pathogenicity. Review status: criteria provided, conflicting classifications (1 of 4 stars). 2 submissions from 2 submitters: Uncertain significance (1); Likely benign (1). Last evaluated 2026-07-10.

Conditions:
Neurofibromatosis, type 1 (NF1). Also called: VON RECKLINGHAUSEN DISEASE; Neurofibromatosis, type I; Peripheral type neurofibromatosis; NEUROFIBROMATOSIS, TYPE I, SOMATIC. Identifiers: Orphanet 636, MedGen C0027831, MONDO:0018975, OMIM 162200. Disease mechanism: loss of function.
Hereditary cancer-predisposing syndrome. Also called: Neoplastic Syndromes, Hereditary; Hereditary neoplastic syndrome; Hereditary Cancer Syndrome; Tumor predisposition. Identifiers: Orphanet 140162, MedGen C0027672, MeSH D009386, MONDO:0015356.
Cardiovascular phenotype. Identifiers: MedGen CN230736.

Submissions (2):

Ambry Genetics
Classification: Likely benign for Cardiovascular phenotype; Hereditary cancer-predisposing syndrome. Last evaluated: 2026-07-10. Review status: criteria provided, single submitter. Criteria: Ambry Variant Classification Scheme 2023. Collection method: clinical testing. Allele origin: germline.

Labcorp Genetics (formerly Invitae), Labcorp
Classification: Uncertain significance for Neurofibromatosis, type 1. Last evaluated: 2024-10-15. Review status: criteria provided, single submitter. Criteria: Invitae Variant Classification Sherloc (09022015). Collection method: clinical testing. Allele origin: germline.
Comment: This sequence change replaces valine, which is neutral and non-polar, with leucine, which is neutral and non-polar, at codon 2818 of the NF1 protein (p.Val2818Leu). This variant is not present in population databases (gnomAD no frequency). This variant has not been reported in the literature in individuals affected with NF1-related conditions. ClinVar contains an entry for this variant (Variation ID: 481922). Invitae Evidence Modeling of protein sequence and biophysical properties (such as structural, functional, and spatial information, amino acid conservation, physicochemical variation, residue mobility, and thermodynamic stability) indicates that this missense variant is not expected to disrupt NF1 protein function with a negative predictive value of 95%. In summary, the available evidence is currently insufficient to determine the role of this variant in disease. Therefore, it has been classified as a Variant of Uncertain Significance.

NM_001042492.3(NF1):c.8515G>C (p.Val2839Leu)

Gene: NF1 (neurofibromin 1; plus strand). Cytogenetic location: 17q11.2.
Variant type: single nucleotide variant.
Coding change: c.8515G>C on transcript NM_001042492.3 (MANE Select); coding-DNA position 8515, G replaced by C.
Protein change: p.Val2839Leu; replaces valine 2839 with leucine.
Molecular consequence: missense variant.
Genome position (GRCh38, 1-based): chr17:31,374,150, G>C. VCF-style: chr17-31374150-G-C. GRCh37 (hg19) VCF-style: chr17-29701168-G-C.
Other names: c.8452G>C, p.Val2818Leu (NM_000267.4); short protein forms V2839L, V2818L.
Identifiers: ClinVar variation 481922 (VCV000481922.8), dbSNP rs368149035, ClinGen allele CA399206146.
Genomic context (GRCh38, chr17:31,374,150, plus strand): 5'-AGCCAAGTGCAGAAGCAAAGAAGCGCTGGCAGTTTCAAACGTAATAGCATTAAGAAGATC[G>C]TGTGAAGCTTGCTTGCTTTCTTTTTTAAAATCAACTTAACATGGGCTCTTCACTAGTGAC-3'
Protein context (NP_001035957.1, residues 2829-2839): SFKRNSIKKI[Val2839Leu]